The following is an entry in ClinVar:

NM_000179.3(MSH6):c.4031C>T (p.Thr1344Ile)

Gene: MSH6 (mutS homolog 6; plus strand). Cytogenetic location: 2p16.3.
Variant type: single nucleotide variant.
Coding change: c.4031C>T on transcript NM_000179.3 (MANE Select); coding-DNA position 4031, C replaced by T.
Protein change: p.Thr1344Ile; replaces threonine 1344 with isoleucine.
Molecular consequence: missense variant.
Genome position (GRCh38, 1-based): chr2:47,806,808, C>T. VCF-style: chr2-47806808-C-T. GRCh37 (hg19) VCF-style: chr2-48033947-C-T.
Other names: c.4031C>T (NM_000179.2); c.3641C>T, p.Thr1214Ile (NM_001281492.2); c.3125C>T, p.Thr1042Ile (NM_001281493.2, NM_001281494.2); short protein forms T1042I, T1344I, T1214I.
Identifiers: ClinVar variation 1449313 (VCV001449313.7), dbSNP rs1572750070, ClinGen allele CA346761679.
Genomic context (GRCh38, chr2:47,806,808, plus strand): 5'-AAACTTTTTTTTTTTTTTTTTTAATTTTAAGGGAAGTTTGCCTGGCTAGTGAAAGGTCAA[C>T]TGTAGATGCTGAAGCTGTCCATAAATTGCTGACTTTGATTAAGGAATTATAGACTGACTA-3'
Protein context (NP_000170.1, residues 1334-1354): REVCLASERS[Thr1344Ile]VDAEAVHKLL

ClinVar aggregate classification (germline): Uncertain significance. Review status: criteria provided, multiple submitters, no conflicts (2 of 4 stars). 2 submissions from 2 submitters: Uncertain significance (2). Last evaluated 2025-07-31.

Conditions:
Hereditary nonpolyposis colorectal neoplasms. Identifiers: MedGen C0009405, MeSH D003123.
Hereditary cancer-predisposing syndrome. Also called: Hereditary Cancer Syndrome; Hereditary neoplastic syndrome; Neoplastic Syndromes, Hereditary; Tumor predisposition. Identifiers: Orphanet 140162, MedGen C0027672, MeSH D009386, MONDO:0015356.

Submissions (2):

Ambry Genetics
Classification: Uncertain significance for Hereditary cancer-predisposing syndrome. Last evaluated: 2025-07-31. Review status: criteria provided, single submitter. Criteria: Ambry Variant Classification Scheme 2023. Collection method: clinical testing. Allele origin: germline.
Comment: The p.T1344I variant (also known as c.4031C>T), located in coding exon 10 of the MSH6 gene, results from a C to T substitution at nucleotide position 4031. The threonine at codon 1344 is replaced by isoleucine, an amino acid with similar properties. This amino acid position is conserved. In addition, the in silico prediction for this alteration is inconclusive. Based on the available evidence, the clinical significance of this variant remains unclear.

Labcorp Genetics (formerly Invitae), Labcorp
Classification: Uncertain significance for Hereditary nonpolyposis colorectal neoplasms. Last evaluated: 2021-10-27. Review status: criteria provided, single submitter. Criteria: Invitae Variant Classification Sherloc (09022015). Collection method: clinical testing. Allele origin: germline.
Comment: In summary, the available evidence is currently insufficient to determine the role of this variant in disease. Therefore, it has been classified as a Variant of Uncertain Significance. Advanced modeling of protein sequence and biophysical properties (such as structural, functional, and spatial information, amino acid conservation, physicochemical variation, residue mobility, and thermodynamic stability) performed at Invitae indicates that this missense variant is not expected to disrupt MSH6 protein function. This variant has not been reported in the literature in individuals affected with MSH6-related conditions. This variant is not present in population databases (gnomAD no frequency). This sequence change replaces threonine, which is neutral and polar, with isoleucine, which is neutral and non-polar, at codon 1344 of the MSH6 protein (p.Thr1344Ile).